The following is an entry in ClinVar:

ClinVar aggregate classification (germline): Benign/Likely benign. Review status: criteria provided, multiple submitters, no conflicts (2 of 4 stars). 2 submissions from 2 submitters: Benign (1); Likely benign (1). Last evaluated 2018-04-17.

Allele frequency attached by ClinVar (database versions not stated): gnomAD 0.00003; TOPMed 0.00003 and 0.00002; gnomAD exomes below 0.00001.
gnomAD v4.1: 5 of 1,579,738 alleles (0.00032%); highest among the groups gnomAD compares: African/African-American, 0.0054%; no homozygotes.

Submissions (2):

Quest Diagnostics Nichols Institute San Juan Capistrano
Classification: Benign. Last evaluated: 2018-04-17. Review status: criteria provided, single submitter. Criteria: Quest Diagnostics criteria. Collection method: clinical testing. Allele origin: germline.

GeneDx
Classification: Likely benign. Last evaluated: 2017-05-22. Review status: criteria provided, single submitter. Criteria: GeneDx Variant Classification (06012015). Collection method: clinical testing. Allele origin: germline. Affected: yes.
Comment: This variant is considered likely benign or benign based on one or more of the following criteria: it is a conservative change, it occurs at a poorly conserved position in the protein, it is predicted to be benign by multiple in silico algorithms, and/or has population frequency not consistent with disease.

NM_000179.3(MSH6):c.*17G>A

Gene: MSH6 (mutS homolog 6; plus strand). Cytogenetic location: 2p16.3.
Variant type: single nucleotide variant.
Coding change: c.*17G>A on transcript NM_000179.3 (MANE Select); 17 bases downstream of the stop codon, G replaced by A.
Molecular consequence: 3 prime UTR variant.
Genome position (GRCh38, 1-based): chr2:47,806,877, G>A. VCF-style: chr2-47806877-G-A. GRCh37 (hg19) VCF-style: chr2-48034016-G-A.
Other names: c.*17G>A (NM_001281492.2, NM_001281493.2, NM_001281494.2).
Identifiers: ClinVar variation 234374 (VCV000234374.3), dbSNP rs876661000, ClinGen allele CA10577299.